The following is an entry in ClinVar:

ClinVar aggregate classification (germline): Uncertain significance (1 of 4 stars; one submission).

Conditions:
Mitochondrial DNA depletion syndrome, encephalomyopathic form with methylmalonic aciduria (MTDPS5). Also called: MITOCHONDRIAL DNA DEPLETION SYNDROME, ENCEPHALOMYOPATHIC FORM, WITH OR WITHOUT METHYLMALONIC ACIDURIA, AUTOSOMAL RECESSIVE, SUCLA2-RELATED; Mitochondrial DNA depletion syndrome 5 (encephalomyopathic with or without methylmalonic aciduria); Mitochondrial encephalomyopathy aminoacidopathy; SUCLA2-Related Mitochondrial DNA Depletion Syndrome, Encephalomyopathic Form with Methylmalonic Aciduria. Identifiers: Orphanet 1933, MedGen C5980207, MONDO:0012791, OMIM 612073.

Submission:

3billion
Classification: Uncertain significance for Mitochondrial DNA depletion syndrome, encephalomyopathic form with methylmalonic aciduria. Last evaluated: 2025-05-19. Review status: criteria provided, single submitter. Criteria: ACMG Guidelines, 2015. Collection method: clinical testing. Allele origin: germline. Affected: yes.
Comment: The variant is not observed in the gnomAD v4.1.0 dataset. Predicted Consequence/Location: Intron variant In silico tools predict the variant to alter splicing and produce an abnormal transcript [SpliceAI: 0.74 (>=0.2, moderate evidence for spliceogenicity)]. Therefore, this variant is classified as VUS according to the recommendation of ACMG/AMP guideline.

NM_003850.3(SUCLA2):c.534+6T>C

Gene: SUCLA2 (succinate-CoA ligase ADP-forming subunit beta; minus strand). Cytogenetic location: 13q14.2.
Variant type: single nucleotide variant.
Coding change: c.534+6T>C on transcript NM_003850.3 (MANE Select); 6 bases into the intron after coding-DNA position 534, T replaced by C.
Molecular consequence: intron variant.
Genome position (GRCh38, 1-based): chr13:47,988,535, A>G on the plus strand (T>C on the coding strand, the complement: SUCLA2 is on the minus strand). VCF-style: chr13-47988535-A-G. GRCh37 (hg19) VCF-style: chr13-48562670-A-G.
Identifiers: ClinVar variation 4854566 (VCV004854566.1).